The following is an entry in ClinVar:

NM_001243279.3(ACSF3):c.1546dup (p.Val516fs)

Gene: ACSF3 (acyl-CoA synthetase family member 3; plus strand). Cytogenetic location: 16q24.3.
Variant type: Duplication.
Coding change: c.1546dup on transcript NM_001243279.3 (MANE Select); coding-DNA position 1546, one base duplicated (G; older notation c.1546dupG).
Protein change: p.Val516fs; shifts the reading frame from valine 516.
Molecular consequence: frameshift variant. On other transcripts: non-coding transcript variant (4).
Genome position (GRCh38, 1-based): chr16:89,145,982, G duplicated; the last of 3 consecutive G bases (chr16:89,145,980-89,145,982); duplicating any one gives the same sequence. VCF-style (leftmost placement, unchanged base first): chr16-89145979-C-CG. GRCh37 (hg19) VCF-style: chr16-89212387-C-CG.
Other names: c.1546dup, p.Val516fs (NM_001127214.4, NM_174917.5); c.751dup, p.Val251fs (NM_001284316.2); short protein forms V251fs, V516fs.
Identifiers: ClinVar variation 2680585 (VCV002680585.4), dbSNP rs2543867000, ClinGen allele CA2695201155.

ClinVar aggregate classification (germline): Pathogenic/Likely pathogenic. Review status: criteria provided, multiple submitters, no conflicts (2 of 4 stars). 2 submissions from 2 submitters: Pathogenic (1); Likely pathogenic (1). Last evaluated 2024-01-14.

Conditions:
Combined malonic and methylmalonic acidemia. Identifiers: Orphanet 289504, MedGen C3280314, MONDO:0013661, OMIM 614265.

Submissions (2):

Labcorp Genetics (formerly Invitae), Labcorp
Classification: Pathogenic for Combined malonic and methylmalonic acidemia. Last evaluated: 2024-01-14. Review status: criteria provided, single submitter. Criteria: Invitae Variant Classification Sherloc (09022015). Collection method: clinical testing. Allele origin: germline.
Comment: This sequence change creates a premature translational stop signal (p.Val516Glyfs*50) in the ACSF3 gene. While this is not anticipated to result in nonsense mediated decay, it is expected to disrupt the last 61 amino acid(s) of the ACSF3 protein. This variant is not present in population databases (gnomAD no frequency). This variant has not been reported in the literature in individuals affected with ACSF3-related conditions. This variant disrupts a region of the ACSF3 protein in which other variant(s) (p.Arg558Trp) have been determined to be pathogenic (PMID: 21841779, 26827111; Invitae). This suggests that this is a clinically significant region of the protein, and that variants that disrupt it are likely to be disease-causing. For these reasons, this variant has been classified as Pathogenic.

Baylor Genetics
Classification: Likely pathogenic for Combined malonic and methylmalonic acidemia. Last evaluated: 2022-04-20. Review status: criteria provided, single submitter. Criteria: ACMG Guidelines, 2015. Collection method: clinical testing. Allele origin: unknown.

Literature cited by the submitters: PubMed 21841779 (cited by Labcorp Genetics (formerly Invitae), Labcorp); PubMed 26827111 (cited by Labcorp Genetics (formerly Invitae), Labcorp).